The following is an entry in ClinVar:

NM_138694.4(PKHD1):c.3817G>C (p.Ala1273Pro)

Gene: PKHD1 (PKHD1 ciliary IPT domain containing fibrocystin/polyductin; minus strand). Cytogenetic location: 6p12.2.
Variant type: single nucleotide variant.
Coding change: c.3817G>C on transcript NM_138694.4 (MANE Select); coding-DNA position 3817, G replaced by C.
Protein change: p.Ala1273Pro; replaces alanine 1273 with proline.
Molecular consequence: missense variant.
Genome position (GRCh38, 1-based): chr6:52,025,993, C>G on the plus strand (G>C on the coding strand, the complement: PKHD1 is on the minus strand). VCF-style: chr6-52025993-C-G. GRCh37 (hg19) VCF-style: chr6-51890791-C-G.
Other names: c.3817G>C, p.Ala1273Pro (NM_170724.3); short protein forms A1273P.
Identifiers: ClinVar variation 594301 (VCV000594301.10), dbSNP rs199643308, ClinGen allele CA138947556.
Genomic context (GRCh38, chr6:52,025,993, plus strand): 5'-AGGTGAAGCCTTTCCCCACCAAGCTTGGTGAAGGACCACGGGCGAAGAACCTGTTGCCAG[C>G]CCAGACCTCCACGGCAGCTGGAACAGTGGGAGCGCCCGCATCGGGTATCTGGGGGGCTGG-3'
Protein context (NP_619639.3, residues 1263-1283): PTVPAAVEVW[Ala1273Pro]GNRFFARGPS

ClinVar aggregate classification (germline): Uncertain significance. Review status: criteria provided, multiple submitters, no conflicts (2 of 4 stars). 4 submissions from 4 submitters: Uncertain significance (4). Last evaluated 2024-04-10.

Conditions:
Polycystic kidney disease 4 (PKD4). Also called: Autosomal Recessive Polycystic Kidney Disease – PKHD1; POLYCYSTIC KIDNEY DISEASE 4 WITH OR WITHOUT POLYCYSTIC LIVER DISEASE; POLYCYSTIC KIDNEY AND HEPATIC DISEASE 1; POLYCYSTIC KIDNEY DISEASE, INFANTILE, TYPE I; PKD3. Identifiers: MedGen C4540575, MONDO:0033004, OMIM 263200.
Autosomal recessive polycystic kidney disease (ARPKD). Also called: AR polycystic kidney disease. Identifiers: Orphanet 731, Orphanet 8378, MedGen C0085548, MeSH D017044, MONDO:0009889.

Allele frequency attached by ClinVar (database versions not stated): gnomAD 0.00001 and 0.00002; gnomAD exomes 0.00001; TOPMed 0.00001.
gnomAD v4.1: 15 of 1,614,036 alleles (0.00093%); highest among the groups gnomAD compares: Admixed American, 0.005%; no homozygotes.

Submissions (4):

Fulgent Genetics
Classification: Uncertain significance for Polycystic kidney disease 4. Last evaluated: 2024-04-10. Review status: criteria provided, single submitter. Criteria: ACMG Guidelines, 2015. Collection method: clinical testing. Allele origin: germline.

Labcorp Genetics (formerly Invitae), Labcorp
Classification: Uncertain significance for Autosomal recessive polycystic kidney disease. Last evaluated: 2022-03-26. Review status: criteria provided, single submitter. Criteria: Invitae Variant Classification Sherloc (09022015). Collection method: clinical testing. Allele origin: germline.
Comment: This sequence change replaces alanine, which is neutral and non-polar, with proline, which is neutral and non-polar, at codon 1273 of the PKHD1 protein (p.Ala1273Pro). This variant is present in population databases (rs199643308, gnomAD 0.003%). This variant has not been reported in the literature in individuals affected with PKHD1-related conditions. ClinVar contains an entry for this variant (Variation ID: 594301). Advanced modeling of protein sequence and biophysical properties (such as structural, functional, and spatial information, amino acid conservation, physicochemical variation, residue mobility, and thermodynamic stability) performed at Invitae indicates that this missense variant is not expected to disrupt PKHD1 protein function. In summary, the available evidence is currently insufficient to determine the role of this variant in disease. Therefore, it has been classified as a Variant of Uncertain Significance.

Genome-Nilou Lab
Classification: Uncertain significance for Polycystic kidney disease 4. Last evaluated: 2021-07-22. Review status: criteria provided, single submitter. Criteria: ACMG Guidelines, 2015. Collection method: clinical testing. Allele origin: germline. Affected: no.

Eurofins Ntd Llc (ga)
Classification: Uncertain significance. Last evaluated: 2017-10-02. Review status: criteria provided, single submitter. Criteria: EGL Classification Definitions 2015. Collection method: clinical testing. Allele origin: germline. Observed: 1 variant allele, 1 heterozygote.